The following is an entry in ClinVar:

ClinVar aggregate classification (germline): Uncertain significance. Review status: criteria provided, multiple submitters, no conflicts (2 of 4 stars). 2 submissions from 2 submitters: Uncertain significance (2). Last evaluated 2025-05-22.

Conditions:
Inborn genetic diseases. Identifiers: MedGen C0950123, MeSH D030342.

gnomAD v4.1: 97 of 1,610,598 alleles (0.006%); highest among the groups gnomAD compares: African/African-American, 0.12%; no homozygotes.

Submissions (2):

GeneDx
Classification: Uncertain significance. Last evaluated: 2025-05-22. Review status: criteria provided, single submitter. Criteria: GeneDx Variant Classification Process June 2021. Collection method: clinical testing. Allele origin: germline. Affected: yes.
Comment: In silico analysis suggests that this missense variant does not alter protein structure/function; Has not been previously published as pathogenic or benign to our knowledge

Ambry Genetics
Classification: Uncertain significance for Inborn genetic diseases. Last evaluated: 2024-04-12. Review status: criteria provided, single submitter. Criteria: Ambry Variant Classification Scheme 2023. Collection method: clinical testing. Allele origin: germline.

NM_001080453.3(INTS1):c.4363C>A (p.Leu1455Ile)

Gene: INTS1 (integrator complex subunit 1; minus strand). Cytogenetic location: 7p22.3.
Variant type: single nucleotide variant.
Coding change: c.4363C>A on transcript NM_001080453.3 (MANE Select); coding-DNA position 4363, C replaced by A.
Protein change: p.Leu1455Ile; replaces leucine 1455 with isoleucine.
Molecular consequence: missense variant.
Genome position (GRCh38, 1-based): chr7:1,478,852, G>T on the plus strand (C>A on the coding strand, the complement: INTS1 is on the minus strand). VCF-style: chr7-1478852-G-T. GRCh37 (hg19) VCF-style: chr7-1518488-G-T.
Other names: short protein forms L1455I.
Identifiers: ClinVar variation 3286186 (VCV003286186.2).